The following is an entry in ClinVar:

ClinVar aggregate classification (germline): Pathogenic (1 of 4 stars; one submission).

Submission:

Labcorp Genetics (formerly Invitae), Labcorp
Classification: Pathogenic. Last evaluated: 2023-11-24. Review status: criteria provided, single submitter. Criteria: Invitae Variant Classification Sherloc (09022015). Collection method: clinical testing. Allele origin: germline.
Comment: This sequence change creates a premature translational stop signal (p.Ser368Phefs*9) in the TTC37 gene. It is expected to result in an absent or disrupted protein product. Loss-of-function variants in TTC37 are known to be pathogenic (PMID: 20176027, 21120949). This variant is present in population databases (no rsID available, gnomAD 0.0009%). This variant has not been reported in the literature in individuals affected with TTC37-related conditions. Algorithms developed to predict the effect of sequence changes on RNA splicing suggest that this variant may disrupt the consensus splice site. For these reasons, this variant has been classified as Pathogenic.

Literature cited by the submitters: PubMed 20176027; PubMed 21120949.

NM_014639.4(SKIC3):c.1103_1104del (p.Ser368fs)

Gene: SKIC3 (SKI3 subunit of superkiller complex; minus strand). Cytogenetic location: 5q15.
Variant type: Microsatellite.
Coding change: c.1103_1104del on transcript NM_014639.4 (MANE Select); coding-DNA positions 1103 to 1104, 2 bases deleted (CT; older notation c.1103_1104delCT).
Protein change: p.Ser368fs; shifts the reading frame from serine 368.
Molecular consequence: frameshift variant.
Genome position (GRCh38, 1-based): chr5:95,528,043-95,528,044, AG deleted on the plus strand (CT on the coding strand, the reverse complement: SKIC3 is on the minus strand); deleting any 2 consecutive bases within chr5:95,528,043-95,528,046 gives the same sequence; the c. name uses the placement nearest the transcript's 3' end. VCF-style (leftmost placement, unchanged base first): chr5-95528042-AAG-A. GRCh37 (hg19) VCF-style: chr5-94863746-AAG-A.
Other names: short protein forms S368fs.
Identifiers: ClinVar variation 2979822 (VCV002979822.3), dbSNP rs1561347107, ClinGen allele CA561271248.